The following is an entry in ClinVar:

ClinVar aggregate classification (germline): Uncertain significance (1 of 4 stars; one submission).

Conditions:
Familial meningioma. Also called: Meningioma, familial, susceptibility to. Identifiers: Orphanet 263662, MedGen C3551915, MONDO:0011789, OMIM 607174.
Neurofibromatosis, type 2 (SWNV). Also called: BILATERAL ACOUSTIC NEUROFIBROMATOSIS; SCHWANNOMATOSIS, VESTIBULAR; NF2-Related Schwannomatosis. Identifiers: Orphanet 637, MedGen C0027832, MONDO:0007039, OMIM 101000. Disease mechanism: loss of function.

gnomAD v4.1: 1 of 784,210 alleles (0.00013%); no homozygotes.

Submission:

Juno Genomics, Hangzhou Juno Genomics, Inc
Classification: Uncertain significance for Neurofibromatosis, type 2; Familial meningioma. Review status: criteria provided, single submitter. Criteria: ACMG Guidelines, 2015. Collection method: clinical testing. Allele origin: germline.
Comment: Absent from controls (or at extremely low frequency if recessive) in Genome Aggregation Database.;Multiple lines of computational evidence suggest no impact on gene or gene product.

NM_000268.4(NF2):c.999+108C>T

Gene: NF2 (NF2, moesin-ezrin-radixin like (MERLIN) tumor suppressor; plus strand). Cytogenetic location: 22q12.2.
Variant type: single nucleotide variant.
Coding change: c.999+108C>T on transcript NM_000268.4 (MANE Select); 108 bases into the intron after coding-DNA position 999, C replaced by T.
Molecular consequence: intron variant.
Genome position (GRCh38, 1-based): chr22:29,668,554, C>T. VCF-style: chr22-29668554-C-T. GRCh37 (hg19) VCF-style: chr22-30064543-C-T.
Other names: c.999+108C>T (NM_016418.5, NM_181832.3, NM_001407060.1 and 2 more transcripts); c.885+108C>T (NM_001407056.1, NM_001407053.1); c.768+108C>T (NM_001407067.1); c.465+108C>T (NM_001407065.1); c.864+108C>T (NM_001407059.1, NM_001407057.1); c.448-26198C>T (NM_181833.3); c.876+108C>T (NM_001407058.1, NM_181829.3, NM_001407054.1); c.741+108C>T (NM_001407062.1); and 2 more.
Identifiers: ClinVar variation 5006479 (VCV005006479.2).
Genomic context (GRCh38, chr22:29,668,554, plus strand): 5'-CTGGCCTGGGAGGCGAGGAGTGGTCATGGGCTGGCAGGAGTCTTTTGGCCGTGGACATAC[C>T]TGCTCTTGTTTTATACCTTTTGGATCTTCATTTGCCGATGCCTACCTGGTGGGATGTCAT-3'